The following is an entry in ClinVar:

NM_021098.3(CACNA1H):c.5399C>T (p.Thr1800Met)

Gene: CACNA1H (calcium voltage-gated channel subunit alpha1 H; plus strand). Cytogenetic location: 16p13.3.
Variant type: single nucleotide variant.
Coding change: c.5399C>T on transcript NM_021098.3 (MANE Select); coding-DNA position 5399, C replaced by T.
Protein change: p.Thr1800Met; replaces threonine 1800 with methionine.
Molecular consequence: missense variant.
Genome position (GRCh38, 1-based): chr16:1,217,994, C>T. VCF-style: chr16-1217994-C-T. GRCh37 (hg19) VCF-style: chr16-1267994-C-T.
Other names: c.5381C>T, p.Thr1794Met (NM_001005407.2); short protein forms T1794M, T1800M.
Identifiers: ClinVar variation 4787430 (VCV004787430.1).

ClinVar aggregate classification (germline): Uncertain significance (1 of 4 stars; one submission).

Conditions:
Idiopathic generalized epilepsy. Also called: EIG; Generalised epilepsy. Identifiers: MedGen C0270850, MONDO:0005579, OMIM 600669.
Hyperaldosteronism, familial, type IV (HALD4). Also called: FH IV; ALDOSTERONISM, PRIMARY, AND HYPERTENSION. Identifiers: Orphanet 642671, MedGen C4310756, MONDO:0014875, OMIM 617027.

gnomAD v4.1: 12 of 1,602,720 alleles (0.00075%); highest among the groups gnomAD compares: South Asian, 0.0011%; no homozygotes.

Submission:

Labcorp Genetics (formerly Invitae), Labcorp
Classification: Uncertain significance for Idiopathic generalized epilepsy; Hyperaldosteronism, familial, type IV. Last evaluated: 2025-12-19. Review status: criteria provided, single submitter. Criteria: Invitae Variant Classification Sherloc (09022015). Collection method: clinical testing. Allele origin: germline.
Comment: This sequence change replaces threonine, which is neutral and polar, with methionine, which is neutral and non-polar, at codon 1800 of the CACNA1H protein (p.Thr1800Met). The frequency data for this variant in the population databases is considered unreliable, as metrics indicate poor data quality at this position in the gnomAD database. This variant has not been reported in the literature in individuals affected with CACNA1H-related conditions. Invitae Evidence Modeling of protein sequence and biophysical properties (such as structural, functional, and spatial information, amino acid conservation, physicochemical variation, residue mobility, and thermodynamic stability) indicates that this missense variant is expected to disrupt CACNA1H protein function with a positive predictive value of 80%. In summary, the available evidence is currently insufficient to determine the role of this variant in disease. Therefore, it has been classified as a Variant of Uncertain Significance.